The following is an entry in ClinVar:

NM_005450.6(NOG):c.613T>G (p.Trp205Gly)

Gene: NOG (noggin; plus strand). Cytogenetic location: 17q22.
Variant type: single nucleotide variant.
Coding change: c.613T>G on transcript NM_005450.6 (MANE Select); coding-DNA position 613, T replaced by G.
Protein change: p.Trp205Gly; replaces tryptophan 205 with glycine.
Molecular consequence: missense variant.
Genome position (GRCh38, 1-based): chr17:56,594,836, T>G. VCF-style: chr17-56594836-T-G. GRCh37 (hg19) VCF-style: chr17-54672197-T-G.
Other names: short protein forms W205G.
Identifiers: ClinVar variation 2972864 (VCV002972864.4), dbSNP rs2545137908, ClinGen allele CA399966709.

ClinVar aggregate classification (germline): Pathogenic/Likely pathogenic. Review status: criteria provided, multiple submitters, no conflicts (2 of 4 stars). 2 submissions from 2 submitters: Pathogenic (1); Likely pathogenic (1). Last evaluated 2023-05-01.

Conditions:
NOG-related disorder. Also called: NOG-related condition; NOG-related disorders.

Submissions (2):

Labcorp Genetics (formerly Invitae), Labcorp
Classification: Pathogenic. Last evaluated: 2023-05-01. Review status: criteria provided, single submitter. Criteria: Invitae Variant Classification Sherloc (09022015). Collection method: clinical testing. Allele origin: germline.
Comment: This missense change has been observed in individual(s) with clinical features of NOG-related symphalangism spectrum disorder (PMID: 31502745; Invitae). In at least one individual the variant was observed to be de novo. This variant is not present in population databases (gnomAD no frequency). This sequence change replaces tryptophan, which is neutral and slightly polar, with glycine, which is neutral and non-polar, at codon 205 of the NOG protein (p.Trp205Gly). An algorithm developed to predict the effect of missense changes on protein structure and function (PolyPhen-2) suggests that this variant is likely to be tolerated. For these reasons, this variant has been classified as Pathogenic. This variant disrupts the p.Trp205 amino acid residue in NOG. Other variant(s) that disrupt this residue have been determined to be pathogenic (PMID: 15770128, 19471170). This suggests that this residue is clinically significant, and that variants that disrupt this residue are likely to be disease-causing.

Blueprint Genetics
Classification: Likely pathogenic for NOG-related disorders. Last evaluated: 2022-01-13. Review status: criteria provided, single submitter. Criteria: ACMG Guidelines, 2015. Collection method: clinical testing. Allele origin: germline. Affected: yes. Observed: 1 variant allele.

Literature cited by the submitters: PubMed 31502745 (cited by Labcorp Genetics (formerly Invitae), Labcorp); PubMed 15770128 (cited by Labcorp Genetics (formerly Invitae), Labcorp); PubMed 19471170 (cited by Labcorp Genetics (formerly Invitae), Labcorp).